The following is an entry in ClinVar:

ClinVar aggregate classification (germline): Conflicting classifications of pathogenicity. Review status: criteria provided, conflicting classifications (1 of 4 stars). 2 submissions from 2 submitters: Uncertain significance (1); Likely benign (1). Last evaluated 2025-08-22.

gnomAD v4.1: 29 of 1,612,672 alleles (0.0018%); highest among the groups gnomAD compares: Non-Finnish European, 0.0025%; no homozygotes.

Submissions (2):

Labcorp Genetics (formerly Invitae), Labcorp
Classification: Uncertain significance. Last evaluated: 2025-08-22. Review status: criteria provided, single submitter. Criteria: Invitae Variant Classification Sherloc (09022015). Collection method: clinical testing. Allele origin: germline.
Comment: This sequence change replaces threonine, which is neutral and polar, with isoleucine, which is neutral and non-polar, at codon 4 of the CYP7A1 protein (p.Thr4Ile). This variant is present in population databases (rs763096344, gnomAD 0.009%). This variant has not been reported in the literature in individuals affected with CYP7A1-related conditions. An algorithm developed to predict the effect of missense changes on protein structure and function outputs the following: PolyPhen-2: "Benign". The isoleucine amino acid residue is found in multiple mammalian species, which suggests that this missense change does not adversely affect protein function. In summary, the available evidence is currently insufficient to determine the role of this variant in disease. Therefore, it has been classified as a Variant of Uncertain Significance.

Ambry Genetics
Classification: Likely benign. Last evaluated: 2025-08-02. Review status: criteria provided, single submitter. Criteria: Ambry Variant Classification Scheme 2023. Collection method: clinical testing. Allele origin: germline.

NM_000780.4(CYP7A1):c.11C>T (p.Thr4Ile)

Genes: CYP7A1 (cytochrome P450 family 7 subfamily A member 1; minus strand), LOC110596866 (CYP7A1 5' regulatory region; plus strand). Cytogenetic location: 8q12.1.
Variant type: single nucleotide variant.
Coding change: c.11C>T on transcript NM_000780.4 (MANE Select); coding-DNA position 11, C replaced by T.
Protein change: p.Thr4Ile; replaces threonine 4 with isoleucine.
Molecular consequence: missense variant.
Genome position (GRCh38, 1-based): chr8:58,500,088, G>A on the plus strand (C>T on the coding strand, the complement: CYP7A1 is on the minus strand). VCF-style: chr8-58500088-G-A. GRCh37 (hg19) VCF-style: chr8-59412647-G-A.
Other names: short protein forms T4I.
Identifiers: ClinVar variation 4237152 (VCV004237152.2).